The following is an entry in ClinVar:

NM_175914.5(HNF4A):c.301G>T (p.Ala101Ser)

Gene: HNF4A (hepatocyte nuclear factor 4 alpha; plus strand). Cytogenetic location: 20q13.12.
Variant type: single nucleotide variant.
Coding change: c.301G>T on transcript NM_175914.5 (MANE Select); coding-DNA position 301, G replaced by T.
Protein change: p.Ala101Ser; replaces alanine 101 with serine.
Molecular consequence: missense variant.
Genome position (GRCh38, 1-based): chr20:44,407,457, G>T. VCF-style: chr20-44407457-G-T. GRCh37 (hg19) VCF-style: chr20-43036097-G-T.
Other names: c.367G>T, p.Ala123Ser (NM_000457.6, NM_178849.3, NM_178850.3); c.301G>T, p.Ala101Ser (NM_001030003.3, NM_001030004.3); c.346G>T, p.Ala116Ser (NM_001258355.2); c.292G>T, p.Ala98Ser (NM_001287182.2, NM_001287183.2, NM_001287184.2); short protein forms A101S, A116S, A123S, A98S.
Identifiers: ClinVar variation 3370944 (VCV003370944.1).
Genomic context (GRCh38, chr20:44,407,457, plus strand): 5'-GTGGTGGACAAAGACAAGAGGAACCAGTGCCGCTACTGCAGGCTCAAGAAATGCTTCCGG[G>T]CTGGCATGAAGAAGGAAGGTGAGCCTCGGCCCTCCCCGCCCCACCACCACTGCCCCACCT-3'
Protein context (NP_787110.2, residues 91-111): RYCRLKKCFR[Ala101Ser]GMKKEAVQNE

ClinVar aggregate classification (germline): Uncertain significance (1 of 4 stars; one submission).

gnomAD v4.1: 1 of 1,603,918 alleles (0.000062%); highest among the groups gnomAD compares: Non-Finnish European, 0.000085%; no homozygotes.

Submission:

GeneDx
Classification: Uncertain significance. Last evaluated: 2024-03-12. Review status: criteria provided, single submitter. Criteria: GeneDx Variant Classification Process June 2021. Collection method: clinical testing. Allele origin: germline. Affected: yes.
Comment: Not observed at significant frequency in large population cohorts (gnomAD); In silico analysis supports that this missense variant has a deleterious effect on protein structure/function; Has not been previously published as pathogenic or benign to our knowledge